The following is an entry in ClinVar:

NM_003052.5(SLC34A1):c.439G>C (p.Val147Leu)

Gene: SLC34A1 (solute carrier family 34 member 1; plus strand). Cytogenetic location: 5q35.3.
Variant type: single nucleotide variant.
Coding change: c.439G>C on transcript NM_003052.5 (MANE Select); coding-DNA position 439, G replaced by C.
Protein change: p.Val147Leu; replaces valine 147 with leucine.
Molecular consequence: missense variant.
Genome position (GRCh38, 1-based): chr5:177,386,473, G>C. VCF-style: chr5-177386473-G-C. GRCh37 (hg19) VCF-style: chr5-176813474-G-C.
Other names: c.439G>C, p.Val147Leu (NM_001167579.2); c.439G>C (NM_003052.4); short protein forms V147L.
Identifiers: ClinVar variation 1375635 (VCV001375635.9), dbSNP rs121918611, ClinGen allele CA3580388.

ClinVar aggregate classification (germline): Uncertain significance. Review status: criteria provided, multiple submitters, no conflicts (2 of 4 stars). 2 submissions from 2 submitters: Uncertain significance (2). Last evaluated 2022-08-08.

Conditions:
Inborn genetic diseases. Identifiers: MedGen C0950123, MeSH D030342.

Allele frequency attached by ClinVar (database versions not stated): ExAC 0.00002.

Submissions (2):

Ambry Genetics
Classification: Uncertain significance for Inborn genetic diseases. Last evaluated: 2022-08-08. Review status: criteria provided, single submitter. Criteria: Ambry Variant Classification Scheme 2023. Collection method: clinical testing. Allele origin: germline.

Labcorp Genetics (formerly Invitae), Labcorp
Classification: Uncertain significance. Last evaluated: 2022-06-14. Review status: criteria provided, single submitter. Criteria: Invitae Variant Classification Sherloc (09022015). Collection method: clinical testing. Allele origin: germline.
Comment: This variant has not been reported in the literature in individuals affected with SLC34A1-related conditions. This variant is present in population databases (rs121918611, gnomAD 0.004%). This sequence change replaces valine, which is neutral and non-polar, with leucine, which is neutral and non-polar, at codon 147 of the SLC34A1 protein (p.Val147Leu). Algorithms developed to predict the effect of missense changes on protein structure and function are either unavailable or do not agree on the potential impact of this missense change (SIFT: "Deleterious"; PolyPhen-2: "Benign"; Align-GVGD: "Class C0"). In summary, the available evidence is currently insufficient to determine the role of this variant in disease. Therefore, it has been classified as a Variant of Uncertain Significance.